The following is an entry in ClinVar:

ClinVar aggregate classification (germline): Uncertain significance (1 of 4 stars; one submission).

Allele frequency attached by ClinVar (database versions not stated): gnomAD exomes below 0.00001 and 0.00001; ExAC 0.00001; TOPMed 0.00003; gnomAD 0.00004.
gnomAD v4.1: 11 of 1,614,078 alleles (0.00068%); highest among the groups gnomAD compares: African/African-American, 0.011%; no homozygotes.

Submission:

Labcorp Genetics (formerly Invitae), Labcorp
Classification: Uncertain significance. Last evaluated: 2022-07-11. Review status: criteria provided, single submitter. Criteria: Invitae Variant Classification Sherloc (09022015). Collection method: clinical testing. Allele origin: germline.
Comment: This sequence change replaces leucine, which is neutral and non-polar, with methionine, which is neutral and non-polar, at codon 92 of the PCARE protein (p.Leu92Met). This variant is present in population databases (rs752651651, gnomAD 0.008%). This variant has not been reported in the literature in individuals affected with PCARE-related conditions. ClinVar contains an entry for this variant (Variation ID: 1420064). Algorithms developed to predict the effect of missense changes on protein structure and function (SIFT, PolyPhen-2, Align-GVGD) all suggest that this variant is likely to be tolerated. In summary, the available evidence is currently insufficient to determine the role of this variant in disease. Therefore, it has been classified as a Variant of Uncertain Significance.

NM_001029883.3(PCARE):c.274C>A (p.Leu92Met)

Gene: PCARE (photoreceptor cilium actin regulator; minus strand). Cytogenetic location: 2p23.2.
Variant type: single nucleotide variant.
Coding change: c.274C>A on transcript NM_001029883.3 (MANE Select); coding-DNA position 274, C replaced by A.
Protein change: p.Leu92Met; replaces leucine 92 with methionine.
Molecular consequence: missense variant.
Genome position (GRCh38, 1-based): chr2:29,073,988, G>T on the plus strand (C>A on the coding strand, the complement: PCARE is on the minus strand). VCF-style: chr2-29073988-G-T. GRCh37 (hg19) VCF-style: chr2-29296854-G-T.
Other names: short protein forms L92M.
Identifiers: ClinVar variation 1420064 (VCV001420064.5), dbSNP rs752651651, ClinGen allele CA1592685.
Genomic context (GRCh38, chr2:29,073,988, plus strand): 5'-TAGCCATGTGGCTTTGTGATTTGTTCAGCTGGGATGAAGAGGTTTTGGTTCCTGGGATCA[G>T]TCCTTCCATATCTTTCCTTTTGCCTGAAGCAGGATCTCCCATGAGCTGACAAAGACCTTT-3'
Protein context (NP_001025054.1, residues 82-102): ASGKRKDMEG[Leu92Met]IPGTKTSSSQ